The following is an entry in ClinVar:

NM_001142864.4(PIEZO1):c.5538delinsAGCG (p.Ala1846_Arg1847insAla)

Gene: PIEZO1 (piezo type mechanosensitive ion channel component 1 (Er blood group); minus strand). Cytogenetic location: 16q24.3.
Variant type: Indel.
Coding change: c.5538delinsAGCG on transcript NM_001142864.4 (MANE Select); coding-DNA position 5538, C replaced by AGCG.
Protein change: p.Ala1846_Arg1847insAla.
Molecular consequence: inframe insertion.
Genome position (GRCh38, 1-based): chr16:88,721,296, G replaced by CGCT on the plus strand (C replaced by AGCG on the coding strand, the reverse complement: PIEZO1 is on the minus strand). VCF-style: chr16-88721296-G-CGCT. GRCh37 (hg19) VCF-style: chr16-88787704-G-CGCT.
Identifiers: ClinVar variation 5002791 (VCV005002791.1).

ClinVar aggregate classification (germline): Uncertain significance (1 of 4 stars; one submission).

Conditions:
Blood group, ER (ER). Also called: ER BLOOD GROUP SYSTEM. Identifiers: MedGen C5703066, OMIM 620207.

Submission:

OLLIN Analises Genomicas, OLLIN
Classification: Uncertain significance for Blood group, ER. Last evaluated: 2026-08-06. Review status: criteria provided, single submitter. Criteria: ACMG Guidelines 2015 PMID 25741868. Collection method: clinical testing. Allele origin: germline.
Comment: This in-frame deletion, located in exon 39 (of 51), is absent from gnomAD and ClinVar and has not been identified in the literature. This in-frame variant preserves the reading frame while affecting the length and structure of the protein. According to the currently available evidence, this variant has been classified as uncertain significance (PM2_P, PM4).